The following is an entry in ClinVar:

NM_001160148.2(DDHD1):c.1010A>T (p.Asp337Val)

Gene: DDHD1 (DDHD domain containing 1; minus strand). Cytogenetic location: 14q22.1.
Variant type: single nucleotide variant.
Coding change: c.1010A>T on transcript NM_001160148.2 (MANE Select); coding-DNA position 1010, A replaced by T.
Protein change: p.Asp337Val; replaces aspartic acid 337 with valine.
Molecular consequence: missense variant.
Genome position (GRCh38, 1-based): chr14:53,103,685, T>A on the plus strand (A>T on the coding strand, the complement: DDHD1 is on the minus strand). VCF-style: chr14-53103685-T-A. GRCh37 (hg19) VCF-style: chr14-53570403-T-A.
Other names: c.1010A>T, p.Asp337Val (NM_001160147.2, NM_030637.3); short protein forms D337V.
Identifiers: ClinVar variation 945137 (VCV000945137.9), dbSNP rs139853377, ClinGen allele CA7191364.

ClinVar aggregate classification (germline): Uncertain significance (1 of 4 stars; one submission).

Conditions:
Hereditary spastic paraplegia 28. Also called: Spastic paraplegia 28, autosomal recessive. Identifiers: Orphanet 101008, MedGen C1836295, MONDO:0012256, OMIM 609340.

Allele frequency attached by ClinVar (database versions not stated): ExAC 0.00001; gnomAD exomes 0.00001; ESP Exome Variant Server 0.00008.
gnomAD v4.1: 1 of 1,608,578 alleles (0.000062%); highest among the groups gnomAD compares: Non-Finnish European, 0.000085%; no homozygotes.

Submission:

Labcorp Genetics (formerly Invitae), Labcorp
Classification: Uncertain significance for Hereditary spastic paraplegia 28. Last evaluated: 2019-08-17. Review status: criteria provided, single submitter. Criteria: Invitae Variant Classification Sherloc (09022015). Collection method: clinical testing. Allele origin: germline.
Comment: Algorithms developed to predict the effect of missense changes on protein structure and function are either unavailable or do not agree on the potential impact of this missense change (SIFT: "Deleterious"; PolyPhen-2: "Benign"; Align-GVGD: "Class C0"). Algorithms developed to predict the effect of sequence changes on RNA splicing suggest that this variant may create or strengthen a splice site, but this prediction has not been confirmed by published transcriptional studies. In summary, the available evidence is currently insufficient to determine the role of this variant in disease. Therefore, it has been classified as a Variant of Uncertain Significance. This variant has not been reported in the literature in individuals with DDHD1-related conditions. This sequence change replaces aspartic acid with valine at codon 337 of the DDHD1 protein (p.Asp337Val). The aspartic acid residue is moderately conserved and there is a large physicochemical difference between aspartic acid and valine. This variant is present in population databases (rs139853377, ExAC 0.002%).